The following is an entry in ClinVar:

ClinVar aggregate classification (germline): Likely pathogenic (1 of 4 stars; one submission).

Submission:

GeneDx
Classification: Likely pathogenic. Last evaluated: 2020-11-04. Review status: criteria provided, single submitter. Criteria: GeneDx Variant Classification Process June 2021. Collection method: clinical testing. Allele origin: germline. Affected: yes.
Comment: Canonical splice site variant expected to result in aberrant splicing, although in the absence of functional evidence the actual effect of this sequence change is unknown.; Not observed in large population cohorts (Lek et al., 2016); Has not been previously published as pathogenic or benign to our knowledge

NM_001256627.2(BRSK2):c.1987+2del

Gene: BRSK2 (BR serine/threonine kinase 2; plus strand). Cytogenetic location: 11p15.5.
Variant type: Deletion.
Coding change: c.1987+2del on transcript NM_001256627.2 (MANE Select); the canonical splice donor site of the intron after coding-DNA position 1987, one base deleted (T; older notation c.1987+2delT).
Molecular consequence: splice donor variant. On other transcripts: intron variant (2).
Genome position (GRCh38, 1-based): chr11:1,459,241, T deleted. VCF-style (leftmost placement, unchanged base first): chr11-1459240-GT-G. GRCh37 (hg19) VCF-style: chr11-1480470-GT-G.
Other names: c.2125+2del (NM_001256630.1); c.*10-1729del (NM_001256629.2, NM_001282218.2); c.1987+2del (NM_003957.4).
Identifiers: ClinVar variation 1201733 (VCV001201733.3), dbSNP rs2133297645, ClinGen allele CA2499220814.